The following is an entry in ClinVar:

ClinVar aggregate classification (germline): Uncertain significance (1 of 4 stars; one submission).

Conditions:
Glanzmann thrombasthenia. Also called: PLATELET GLYCOPROTEIN IIb-IIIa DEFICIENCY; BLEEDING DISORDER, PLATELET-TYPE, 2; THROMBASTHENIA OF GLANZMANN AND NAEGELI; Glanzmann's thrombasthenia; Thrombasthenia. Identifiers: Orphanet 849, MedGen C0040015, MONDO:0100326.

Submission:

Labcorp Genetics (formerly Invitae), Labcorp
Classification: Uncertain significance for Glanzmann thrombasthenia. Last evaluated: 2024-05-31. Review status: criteria provided, single submitter. Criteria: Invitae Variant Classification Sherloc (09022015). Collection method: clinical testing. Allele origin: germline.
Comment: This sequence change replaces glycine, which is neutral and non-polar, with arginine, which is basic and polar, at codon 634 of the ITGA2B protein (p.Gly634Arg). This variant is not present in population databases (gnomAD no frequency). This variant has not been reported in the literature in individuals affected with ITGA2B-related conditions. Advanced modeling of protein sequence and biophysical properties (such as structural, functional, and spatial information, amino acid conservation, physicochemical variation, residue mobility, and thermodynamic stability) has been performed at Invitae for this missense variant, however the output from this modeling did not meet the statistical confidence thresholds required to predict the impact of this variant on ITGA2B protein function. In summary, the available evidence is currently insufficient to determine the role of this variant in disease. Therefore, it has been classified as a Variant of Uncertain Significance.

NM_000419.5(ITGA2B):c.1900G>A (p.Gly634Arg)

Gene: ITGA2B (integrin subunit alpha 2b; minus strand). Cytogenetic location: 17q21.31.
Variant type: single nucleotide variant.
Coding change: c.1900G>A on transcript NM_000419.5 (MANE Select); coding-DNA position 1900, G replaced by A.
Protein change: p.Gly634Arg; replaces glycine 634 with arginine.
Molecular consequence: missense variant.
Genome position (GRCh38, 1-based): chr17:44,378,689, C>T on the plus strand (G>A on the coding strand, the complement: ITGA2B is on the minus strand). VCF-style: chr17-44378689-C-T. GRCh37 (hg19) VCF-style: chr17-42456057-C-T.
Other names: short protein forms G634R.
Identifiers: ClinVar variation 3655183 (VCV003655183.2).
Genomic context (GRCh38, chr17:44,378,689, plus strand): 5'-GGAGGCCTCCTCACACGCTGGCAGTGAGCTGAAGCTGGGGCACACATACGTCATCTTCCC[C>T]ACAGTCCAGGACGATTCGTGTCTAGAGGGGCACATTGGGGTGTGCGGGTAAGTTGGGGAT-3'
Protein context (NP_000410.2, residues 624-644): QEQTRIVLDC[Gly634Arg]EDDVCVPQLQ